The following is an entry in ClinVar:

ClinVar aggregate classification (germline): Uncertain significance (1 of 4 stars; one submission).

Allele frequency attached by ClinVar (database versions not stated): gnomAD 0.00002; TOPMed 0.00002; gnomAD exomes 0.00003; ExAC 0.00008; ESP Exome Variant Server 0.00008.
gnomAD v4.1: 40 of 1,596,976 alleles (0.0025%); highest among the groups gnomAD compares: Non-Finnish European, 0.0032%; no homozygotes.

Submission:

Labcorp Genetics (formerly Invitae), Labcorp
Classification: Uncertain significance. Last evaluated: 2021-12-21. Review status: criteria provided, single submitter. Criteria: Invitae Variant Classification Sherloc (09022015). Collection method: clinical testing. Allele origin: germline.
Comment: This sequence change replaces aspartic acid, which is acidic and polar, with asparagine, which is neutral and polar, at codon 1438 of the SBF1 protein (p.Asp1438Asn). This variant is present in population databases (rs377649804, gnomAD 0.008%). This variant has not been reported in the literature in individuals affected with SBF1-related conditions. Algorithms developed to predict the effect of missense changes on protein structure and function are either unavailable or do not agree on the potential impact of this missense change (SIFT: "Tolerated"; PolyPhen-2: "Probably Damaging"; Align-GVGD: "Class C0"). In summary, the available evidence is currently insufficient to determine the role of this variant in disease. Therefore, it has been classified as a Variant of Uncertain Significance.

NM_002972.4(SBF1):c.4312G>A (p.Asp1438Asn)

Gene: SBF1 (SET binding factor 1; minus strand). Cytogenetic location: 22q13.33.
Variant type: single nucleotide variant.
Coding change: c.4312G>A on transcript NM_002972.4 (MANE Select); coding-DNA position 4312, G replaced by A.
Protein change: p.Asp1438Asn; replaces aspartic acid 1438 with asparagine.
Molecular consequence: missense variant.
Genome position (GRCh38, 1-based): chr22:50,455,537, C>T on the plus strand (G>A on the coding strand, the complement: SBF1 is on the minus strand). VCF-style: chr22-50455537-C-T. GRCh37 (hg19) VCF-style: chr22-50893966-C-T.
Other names: c.4237G>A, p.Asp1413Asn (NM_001365819.1); c.4315G>A, p.Asp1439Asn (NM_001410794.1); c.4234G>A, p.Asp1412Asn (NM_001410795.1); c.4312G>A, p.Asp1438Asn (NM_197971.1); short protein forms D1412N, D1413N, D1438N, D1439N.
Identifiers: ClinVar variation 2060690 (VCV002060690.1), dbSNP rs377649804, ClinGen allele CA10316312.